The following is an entry in ClinVar:

NM_014334.4(FRRS1L):c.599A>G (p.Asn200Ser)

Gene: FRRS1L (ferric chelate reductase 1 like; minus strand). Cytogenetic location: 9q31.3.
Variant type: single nucleotide variant.
Coding change: c.599A>G on transcript NM_014334.4 (MANE Select); coding-DNA position 599, A replaced by G.
Protein change: p.Asn200Ser; replaces asparagine 200 with serine.
Molecular consequence: missense variant.
Genome position (GRCh38, 1-based): chr9:109,141,453, T>C on the plus strand (A>G on the coding strand, the complement: FRRS1L is on the minus strand). VCF-style: chr9-109141453-T-C. GRCh37 (hg19) VCF-style: chr9-111903733-T-C.
Other names: short protein forms N200S.
Identifiers: ClinVar variation 662348 (VCV000662348.10), dbSNP rs373827794, ClinGen allele CA5177368.

ClinVar aggregate classification (germline): Uncertain significance. Review status: criteria provided, multiple submitters, no conflicts (2 of 4 stars). 3 submissions from 3 submitters: Uncertain significance (3). Last evaluated 2025-04-08.

Conditions:
Inborn genetic diseases. Identifiers: MedGen C0950123, MeSH D030342.
Developmental and epileptic encephalopathy, 37 (DEE37). Also called: Epileptic encephalopathy, early infantile, 37. Identifiers: MedGen C4310770, MONDO:0014859, OMIM 616981.

Allele frequency attached by ClinVar (database versions not stated): ExAC 0.00002; gnomAD 0.00004 and 0.00005; ESP Exome Variant Server 0.00023; gnomAD exomes 0.00004 and 0.00009; TOPMed 0.00005; 1000 Genomes Project 30x 0.00016; 1000 Genomes Project 0.00020.

Submissions (3):

Ambry Genetics
Classification: Uncertain significance for Inborn genetic diseases. Last evaluated: 2025-04-08. Review status: criteria provided, single submitter. Criteria: Ambry Variant Classification Scheme 2023. Collection method: clinical testing. Allele origin: germline.

Labcorp Genetics (formerly Invitae), Labcorp
Classification: Uncertain significance for Developmental and epileptic encephalopathy, 37. Last evaluated: 2024-10-22. Review status: criteria provided, single submitter. Criteria: Invitae Variant Classification Sherloc (09022015). Collection method: clinical testing. Allele origin: germline.
Comment: This sequence change replaces asparagine, which is neutral and polar, with serine, which is neutral and polar, at codon 251 of the FRRS1L protein (p.Asn251Ser). This variant is present in population databases (rs373827794, gnomAD 0.006%). This variant has not been reported in the literature in individuals affected with FRRS1L-related conditions. ClinVar contains an entry for this variant (Variation ID: 662348). An algorithm developed to predict the effect of missense changes on protein structure and function (PolyPhen-2) suggests that this variant¬†is likely to be tolerated. In summary, the available evidence is currently insufficient to determine the role of this variant in disease. Therefore, it has been classified as a Variant of Uncertain Significance.

ARUP Laboratories, Molecular Genetics and Genomics, ARUP Laboratories
Classification: Uncertain significance for Developmental and epileptic encephalopathy, 37. Last evaluated: 2024-03-12. Review status: criteria provided, single submitter. Criteria: ARUP Molecular Germline Variant Investigation Process 2024. Collection method: clinical testing. Allele origin: germline.